The following is an entry in ClinVar:

NM_004408.4(DNM1):c.2028C>G (p.Thr676=)

Gene: DNM1 (dynamin 1; plus strand). Cytogenetic location: 9q34.11.
Variant type: single nucleotide variant.
Coding change: c.2028C>G on transcript NM_004408.4 (MANE Select); coding-DNA position 2028, C replaced by G.
Protein change: p.Thr676=; no amino-acid change (threonine 676 retained).
Molecular consequence: synonymous variant.
Genome position (GRCh38, 1-based): chr9:128,248,705, C>G. VCF-style: chr9-128248705-C-G. GRCh37 (hg19) VCF-style: chr9-131010984-C-G.
Other names: c.2028C>G, p.Thr676= (NM_001005336.3, NM_001288737.2, NM_001288738.2 and 1 more transcripts).
Identifiers: ClinVar variation 566237 (VCV000566237.9), dbSNP rs1339784958, ClinGen allele CA467262638.

ClinVar aggregate classification (germline): Uncertain significance (1 of 4 stars; one submission).

Conditions:
Developmental and epileptic encephalopathy, 31A. Also called: Epileptic encephalopathy, early infantile, 31; Developmental and epileptic encephalopathy, 31. Identifiers: Orphanet 2382, MedGen C4225357, MONDO:0014598, OMIM 616346.

gnomAD v4.1: 1 of 1,613,880 alleles (0.000062%); highest among the groups gnomAD compares: Non-Finnish European, 0.000085%; no homozygotes.

Submission:

Labcorp Genetics (formerly Invitae), Labcorp
Classification: Uncertain significance for Developmental and epileptic encephalopathy, 31A. Last evaluated: 2025-10-20. Review status: criteria provided, single submitter. Criteria: Invitae Variant Classification Sherloc (09022015). Collection method: clinical testing. Allele origin: germline.
Comment: This sequence change affects codon 676 of the DNM1 mRNA. It is a 'silent' change, meaning that it does not change the encoded amino acid sequence of the DNM1 protein. This variant is not present in population databases (gnomAD no frequency). This variant has not been reported in the literature in individuals affected with DNM1-related conditions. ClinVar contains an entry for this variant (Variation ID: 566237). Algorithms developed to predict the effect of sequence changes on RNA splicing suggest that this variant may disrupt the consensus splice site. In summary, the available evidence is currently insufficient to determine the role of this variant in disease. Therefore, it has been classified as a Variant of Uncertain Significance.